The following is an entry in ClinVar:

NM_015354.3(NUP188):c.3297G>A (p.Glu1099=)

Gene: NUP188 (nucleoporin 188; plus strand). Cytogenetic location: 9q34.11.
Variant type: single nucleotide variant.
Coding change: c.3297G>A on transcript NM_015354.3 (MANE Select); coding-DNA position 3297, G replaced by A.
Protein change: p.Glu1099=; no amino-acid change (glutamic acid 1099 retained).
Molecular consequence: synonymous variant.
Genome position (GRCh38, 1-based): chr9:128,995,460, G>A. VCF-style: chr9-128995460-G-A. GRCh37 (hg19) VCF-style: chr9-131757739-G-A.
Identifiers: ClinVar variation 2659561 (VCV002659561.24), dbSNP rs112735903, ClinGen allele CA5272911.

ClinVar aggregate classification (germline): Likely benign (1 of 4 stars; one submission).

Allele frequency attached by ClinVar (database versions not stated): gnomAD exomes 0.00006; TOPMed 0.00053; gnomAD 0.00055; ESP Exome Variant Server 0.00077; ExAC 0.00014; 1000 Genomes Project 30x 0.00016; 1000 Genomes Project 0.00020.

Submission:

CeGaT Center for Human Genetics Tuebingen
Classification: Likely benign. Last evaluated: 2025-11-01. Review status: criteria provided, single submitter. Criteria: CeGaT Center For Human Genetics Tuebingen Variant Classification Criteria Version 2. Collection method: clinical testing. Allele origin: germline. Affected: yes. Observed: 2 variant alleles.
Comment: NUP188: BP4, BP7